The following is an entry in ClinVar:

NM_020738.4(KIDINS220):c.643T>A (p.Tyr215Asn)

Gene: KIDINS220 (kinase D interacting substrate 220; minus strand). Cytogenetic location: 2p25.1.
Variant type: single nucleotide variant.
Coding change: c.643T>A on transcript NM_020738.4 (MANE Select); coding-DNA position 643, T replaced by A.
Protein change: p.Tyr215Asn; replaces tyrosine 215 with asparagine.
Molecular consequence: missense variant. On other transcripts: non-coding transcript variant (2).
Genome position (GRCh38, 1-based): chr2:8,803,088, A>T on the plus strand (T>A on the coding strand, the complement: KIDINS220 is on the minus strand). VCF-style: chr2-8803088-A-T. GRCh37 (hg19) VCF-style: chr2-8943218-A-T.
Other names: c.646T>A, p.Tyr216Asn (NM_001348740.2, NM_001348745.2, NM_001348739.2 and 3 more transcripts); c.643T>A, p.Tyr215Asn (NM_001348741.2, NM_001348742.2, NM_001348743.2 and 3 more transcripts); c.517T>A, p.Tyr173Asn (NM_001348736.2); short protein forms Y173N, Y215N, Y216N.
Identifiers: ClinVar variation 3350675 (VCV003350675.2).
Genomic context (GRCh38, chr2:8,803,088, plus strand): 5'-CTTTATCTGTTAAGTTTACATTTGGATTCCTCTTCAAAATTTCTTTTACTGACTGTGTGT[A>T]ACCTCCTTTCACTGCCACAATAAGTGCAGTCATTGAATTCTAAAAACAACAACAACAAAA-3'
Protein context (NP_065789.1, residues 205-225): TALIVAVKGG[Tyr215Asn]TQSVKEILKR

ClinVar aggregate classification (germline): Uncertain significance (1 of 4 stars; one submission).

Conditions:
KIDINS220-related disorder. Also called: KIDINS220-related condition.

Submission:

PreventionGenetics, part of Exact Sciences
Classification: Uncertain significance for KIDINS220-related condition. Last evaluated: 2025-07-19. Review status: criteria provided, single submitter. Criteria: ACMG Guidelines, 2015. Collection method: clinical testing. Allele origin: germline.
Comment: The KIDINS220 c.643T>A variant is predicted to result in the amino acid substitution p.Tyr215Asn. This variant has been reported in an individual with a neurodevelopmental disorder (Shillington et al. 2023. PubMed ID: 37642312). This variant has not been reported in a large population database, indicating this variant is rare. At this time, the clinical significance of this variant is uncertain due to the absence of conclusive functional and genetic evidence.